The following is an entry in ClinVar:

NM_000291.4(PGK1):c.642-66T>G

Gene: PGK1 (phosphoglycerate kinase 1; plus strand). Cytogenetic location: Xq21.1.
Variant type: single nucleotide variant.
Coding change: c.642-66T>G on transcript NM_000291.4 (MANE Select); 66 bases into the intron before coding-DNA position 642, T replaced by G.
Molecular consequence: intron variant.
Genome position (GRCh38, 1-based): chrX:78,122,769, T>G. VCF-style: chrX-78122769-T-G. GRCh37 (hg19) VCF-style: chrX-77378266-T-G.
Identifiers: ClinVar variation 667849 (VCV000667849.2), dbSNP rs2073176, ClinGen allele CA331586136.
Genomic context (GRCh38, chrX:78,122,769, plus strand): 5'-GGCAGTACTTTTGTCACTTTGAGACTTTCTCTGTTCCTGTGCCTTGAAATAGAAACTCAG[T>G]TTCTATGTAATACCACTTCTCTAGTCCATTCTTCTTTAAGTGATGATTCTTGCTTTCTCT-3'

ClinVar aggregate classification (germline): Benign. Review status: criteria provided, multiple submitters, no conflicts (2 of 4 stars). 2 submissions from 2 submitters: Benign (2). Last evaluated 2018-06-19.

Allele frequency attached by ClinVar (database versions not stated): gnomAD exomes 0.24871; gnomAD 0.27133 and 0.27346; TOPMed 0.28996; 1000 Genomes Project 30x 0.34672; 1000 Genomes Project 0.34940.
gnomAD v4.1: 162,763 of 643,961 alleles (25%); highest among the groups gnomAD compares: East Asian, 41%; 14,646 homozygotes.

Submissions (2):

GeneDx
Classification: Benign. Last evaluated: 2018-06-19. Review status: criteria provided, single submitter. Criteria: GeneDx Variant Classification (06012015). Collection method: clinical testing. Allele origin: germline. Affected: yes.
Comment: This variant is considered likely benign or benign based on one or more of the following criteria: it is a conservative change, it occurs at a poorly conserved position in the protein, it is predicted to be benign by multiple in silico algorithms, and/or has population frequency not consistent with disease.

Breakthrough Genomics
Classification: Benign. Review status: criteria provided, single submitter. Criteria: ACMG Guidelines, 2015. Collection method: not provided. Allele origin: germline. Inheritance: X-linked inheritance. Affected: yes.